The following is an entry in ClinVar:

NM_172107.4(KCNQ2):c.1588G>A (p.Glu530Lys)

Gene: KCNQ2 (potassium voltage-gated channel subfamily Q member 2; minus strand). Cytogenetic location: 20q13.33.
Variant type: single nucleotide variant.
Coding change: c.1588G>A on transcript NM_172107.4 (MANE Select); coding-DNA position 1588, G replaced by A.
Protein change: p.Glu530Lys; replaces glutamic acid 530 with lysine.
Molecular consequence: missense variant.
Genome position (GRCh38, 1-based): chr20:63,414,131, C>T on the plus strand (G>A on the coding strand, the complement: KCNQ2 is on the minus strand). VCF-style: chr20-63414131-C-T. GRCh37 (hg19) VCF-style: chr20-62045484-C-T.
Other names: c.1504G>A, p.Glu502Lys (NM_004518.6); c.1534G>A, p.Glu512Lys (NM_172106.3); c.1495G>A, p.Glu499Lys (NM_172108.5); short protein forms E530K, E499K, E502K, E512K.
Identifiers: ClinVar variation 495266 (VCV000495266.16), dbSNP rs897976020, ClinGen allele CA317429754.

ClinVar aggregate classification (germline): Conflicting classifications of pathogenicity. Review status: criteria provided, conflicting classifications (1 of 4 stars). 5 submissions from 5 submitters: Likely pathogenic (1); Uncertain significance (4). Last evaluated 2023-08-28.

Conditions:
Early-infantile DEE. Also called: Early infantile epileptic encephalopathy with suppression bursts; Early infantile epileptic encephalopathy; Ohtahara syndrome. Identifiers: Orphanet 1934, MedGen C0393706, MONDO:0800491.
Inborn genetic diseases. Identifiers: MedGen C0950123, MeSH D030342.
Developmental and epileptic encephalopathy, 7 (DEE7). Also called: Early infantile epileptic encephalopathy 7; KCNQ2-Related Neonatal-Onset Developmental and Epileptic Encephalopathy (NEO-DEE); KCNQ2-Related Neonatal Epileptic Encephalopathy. Identifiers: Orphanet 439218, MedGen C3150986, MONDO:0013387, OMIM 613720.

Allele frequency attached by ClinVar (database versions not stated): gnomAD exomes below 0.00001 and 0.00001; TOPMed 0.00001.

Submissions (5):

GeneDx
Classification: Uncertain significance. Last evaluated: 2023-08-28. Review status: criteria provided, single submitter. Criteria: GeneDx Variant Classification Process June 2021. Collection method: clinical testing. Allele origin: germline. Affected: yes.
Comment: In silico analysis supports that this missense variant has a deleterious effect on protein structure/function; Missense variants in this gene are often considered pathogenic (HGMD); This substitution is predicted to be within the C-terminal cytoplasmic domain; This variant is associated with the following publications: (PMID: 31589614, 31780880)

Labcorp Genetics (formerly Invitae), Labcorp
Classification: Uncertain significance for Early-infantile DEE. Last evaluated: 2023-07-25. Review status: criteria provided, single submitter. Criteria: Invitae Variant Classification Sherloc (09022015). Collection method: clinical testing. Allele origin: germline.
Comment: In summary, the available evidence is currently insufficient to determine the role of this variant in disease. Therefore, it has been classified as a Variant of Uncertain Significance. An algorithm developed to predict the effect of missense changes on protein structure and function (PolyPhen-2) suggests that this variant is likely to be disruptive. ClinVar contains an entry for this variant (Variation ID: 495266). This missense change has been observed in individual(s) with clinical features of KCNQ2-related conditions (PMID: 31780880). This variant is present in population databases (no rsID available, gnomAD 0.006%). This sequence change replaces glutamic acid, which is acidic and polar, with lysine, which is basic and polar, at codon 530 of the KCNQ2 protein (p.Glu530Lys).

CENTOGENE GmbH and LLC - Guiding Precision Medicine
Classification: Uncertain significance for Developmental and epileptic encephalopathy, 7. Last evaluated: 2020-06-25. Review status: criteria provided, single submitter. Criteria: ACMG Guidelines, 2015. Collection method: clinical testing. Allele origin: germline. Affected: yes.

Ambry Genetics
Classification: Uncertain significance for Inborn genetic diseases. Last evaluated: 2018-07-11. Review status: criteria provided, single submitter. Criteria: Ambry Variant Classification Scheme 2023. Collection method: clinical testing. Allele origin: germline.
Comment: The p.E530K variant (also known as c.1588G>A), located in coding exon 14 of the KCNQ2 gene, results from a G to A substitution at nucleotide position 1588. The glutamic acid at codon 530 is replaced by lysine, an amino acid with similar properties. This amino acid position is highly conserved through mammals but not in all available vertebrate species. In addition, this alteration is predicted to be deleterious by in silico analysis. Since supporting evidence is limited at this time, the clinical significance of this alteration remains unclear.

NeuroMeGen, Hospital Clinico Santiago de Compostela
Classification: Likely pathogenic for Developmental and epileptic encephalopathy, 7. Last evaluated: 2018-01-01. Review status: criteria provided, single submitter. Criteria: ACMG Guidelines, 2015. Collection method: clinical testing. Allele origin: unknown. Affected: yes. Observed: 1 heterozygote.

Literature cited by the submitters: PubMed 31780880 (cited by Labcorp Genetics (formerly Invitae), Labcorp).